The following is an entry in ClinVar:

ClinVar aggregate classification (germline): Likely pathogenic (0 of 4 stars; one submission).

Conditions:
Alport syndrome. Also called: Hemorrhagic familial nephritis; Hemorrhagic hereditary nephritis; Congenital hereditary hematuria. Identifiers: Orphanet 63, MedGen C1567741, MONDO:0018965.

Submission:

Sydney Genome Diagnostics, Children's Hospital Westmead
Classification: Likely pathogenic for Alport syndrome. Last evaluated: 2018-05-31. Review status: no assertion criteria provided. Collection method: clinical testing. Allele origin: unknown. Affected: yes. Observed: 1 variant allele, 1 hemizygote.
Comment: This frameshifting variant is predicted to create a premature stop codon (p.Asp1425Leufs*59) and may result in a null allele due to nonsense-mediated mRNA decay. The variant has not been reported in any population databases (i.e. ExAC, Exome Sequencing Project (ESP) or dbSNP). To our knowledge, this variant has not been previously reported in the literature or any variant databases. However, other truncating mutations downstream of this amino acid have been described in the COL4A5 database (. This variant is considered to be likely pathogenic according to the ACMG guidelines.

NM_033380.3(COL4A5):c.4291_4297delinsCT (p.Asp1431fs)

Gene: COL4A5 (collagen type IV alpha 5 chain; plus strand). Cytogenetic location: Xq22.3.
Variant type: Indel.
Coding change: c.4291_4297delinsCT on transcript NM_033380.3 (MANE Select); coding-DNA positions 4291 to 4297, GACCCAG replaced by CT.
Protein change: p.Asp1431fs; shifts the reading frame from aspartic acid 1431.
Molecular consequence: frameshift variant.
Genome position (GRCh38, 1-based): chrX:108,686,105-108,686,111, GACCCAG replaced by CT. VCF-style: chrX-108686105-GACCCAG-CT. GRCh37 (hg19) VCF-style: chrX-107929335-GACCCAG-CT.
Other names: c.4273_4279delinsCT, p.Asp1425fs (NM_000495.5); short protein forms D1425fs, D1431fs.
Identifiers: ClinVar variation 988117 (VCV000988117.1), dbSNP rs2068539903, ClinGen allele CA2450718780.